The following is an entry in ClinVar:

ClinVar aggregate classification (germline): Uncertain significance. Review status: criteria provided, multiple submitters, no conflicts (2 of 4 stars). 7 submissions from 7 submitters: Uncertain significance (6). 1 of the submissions does not count toward it. Last evaluated 2024-12-31.

Conditions:
WT1-related disorder. Also called: WT1-related disorders. Identifiers: MedGen CN377814.
Inborn genetic diseases. Identifiers: MedGen C0950123, MeSH D030342.
Drash syndrome (DDS). Also called: WILMS TUMOR AND PSEUDO- OR TRUE HERMAPHRODITISM; NEPHROPATHY, WILMS TUMOR, AND GENITAL ANOMALIES. Identifiers: Orphanet 220, MedGen C0950121, MONDO:0008682, OMIM 194080.
Wilms tumor 1 (WT1). Also called: Wilms tumor, somatic. Identifiers: Orphanet 654, MedGen CN033288, MONDO:0008679, OMIM 194070.
11p partial monosomy syndrome (WAGR). Also called: WAGR Spectrum Disorder; CHROMOSOME 11p13 DELETION SYNDROME; WAGR syndrome; WAGR Complex. Identifiers: Orphanet 893, MedGen C0206115, MONDO:0008681, OMIM 194072.
Frasier syndrome. Identifiers: Orphanet 347, MedGen C0950122, MeSH D052159, MONDO:0007635, OMIM 136680.
Meacham syndrome. Also called: Meacham Winn Culler syndrome. Identifiers: Orphanet 3097, MedGen C1837026, MONDO:0012164, OMIM 608978.
Mesothelioma, malignant (MESOM). Also called: Malignant mesothelioma (disease). Identifiers: Orphanet 50251, MedGen C0345967, MONDO:0006292, OMIM 156240, HP:0100001.
Nephrotic syndrome, type 4 (NPHS4). Also called: Familial mesangial sclerosis; Nephrotic syndrome, early onset with diffuse mesangial sclerosis. Identifiers: Orphanet 656, MedGen C3151568, MONDO:0009733, OMIM 256370.

Allele frequency attached by ClinVar (database versions not stated): ExAC 0.00001; gnomAD 0.00001; gnomAD exomes 0.00001; TOPMed 0.00005.
gnomAD v4.1: 8 of 1,613,952 alleles (0.0005%); highest among the groups gnomAD compares: Admixed American, 0.005%; no homozygotes.

Submissions (7):

Ambry Genetics
Classification: Uncertain significance for Inborn genetic diseases. Last evaluated: 2024-12-31. Review status: criteria provided, single submitter. Criteria: Ambry Variant Classification Scheme 2023. Collection method: clinical testing. Allele origin: germline.
Comment: The p.P232L variant (also known as c.695C>T), located in coding exon 2 of the WT1 gene, results from a C to T substitution at nucleotide position 695. The proline at codon 232 is replaced by leucine, an amino acid with similar properties. This amino acid position is highly conserved in available vertebrate species. In addition, the in silico prediction for this alteration is inconclusive. Based on the available evidence, the clinical significance of this variant remains unclear.

Color Diagnostics, LLC DBA Color Health
Classification: Uncertain significance for Wilms tumor 1. Last evaluated: 2024-04-19. Review status: criteria provided, single submitter. Criteria: ACMG Guidelines, 2015. Collection method: clinical testing. Allele origin: germline.
Comment: This variant replaces proline with leucine at codon 232 in the WT1 protein. Computational prediction is inconclusive regarding the impact of this variant on protein structure and function. To our knowledge, functional studies have not been reported for this variant. This variant has not been reported in individuals affected with WT1-related disorders in the literature. This variant has been identified in 2/250942 chromosomes in the general population by the Genome Aggregation Database (gnomAD). The available evidence is insufficient to determine the role of this variant in disease conclusively. Therefore, this variant is classified as a Variant of Uncertain Significance.

Fulgent Genetics
Classification: Uncertain significance for Frasier syndrome; Mesothelioma, malignant; Wilms tumor 1; Drash syndrome; Nephrotic syndrome, type 4; Meacham syndrome. Last evaluated: 2024-03-22. Review status: criteria provided, single submitter. Criteria: ACMG Guidelines, 2015. Collection method: clinical testing. Allele origin: germline.

Baylor Genetics
Classification: Uncertain significance for Drash syndrome. Last evaluated: 2024-02-27. Review status: criteria provided, single submitter. Criteria: ACMG Guidelines, 2015. Collection method: clinical testing. Allele origin: unknown.

Labcorp Genetics (formerly Invitae), Labcorp
Classification: Uncertain significance for Wilms tumor 1; Drash syndrome; 11p partial monosomy syndrome; Frasier syndrome. Last evaluated: 2023-09-15. Review status: criteria provided, single submitter. Criteria: Invitae Variant Classification Sherloc (09022015). Collection method: clinical testing. Allele origin: germline.
Comment: ClinVar contains an entry for this variant (Variation ID: 640025). This variant has not been reported in the literature in individuals affected with WT1-related conditions. This variant is present in population databases (rs760776653, gnomAD 0.01%). This sequence change replaces proline, which is neutral and non-polar, with leucine, which is neutral and non-polar, at codon 232 of the WT1 protein (p.Pro232Leu). An algorithm developed to predict the effect of missense changes on protein structure and function (PolyPhen-2) suggests that this variant¬†is likely to be tolerated. In summary, the available evidence is currently insufficient to determine the role of this variant in disease. Therefore, it has been classified as a Variant of Uncertain Significance.

GeneDx
Classification: Uncertain significance. Last evaluated: 2022-12-02. Review status: criteria provided, single submitter. Criteria: GeneDx Variant Classification Process June 2021. Collection method: clinical testing. Allele origin: germline. Affected: yes.
Comment: Not observed at significant frequency in large population cohorts (gnomAD); In silico analysis supports that this missense variant has a deleterious effect on protein structure/function; Has not been previously published as pathogenic or benign to our knowledge; This variant is associated with the following publications: (PMID: 8486616)

PreventionGenetics, part of Exact Sciences
Classification: Uncertain significance for WT1-related condition. Last evaluated: 2024-01-26. Review status: no assertion criteria provided. Collection method: clinical testing. Allele origin: germline. Not counted in ClinVar's aggregate classification.
Comment: The WT1 c.695C>T variant is predicted to result in the amino acid substitution p.Pro232Leu. To our knowledge, this variant has not been reported in the literature. This variant is reported in 2 of ~251,000 alleles in gnomAD. It is interpreted as uncertain significance in ClinVar. At this time, the clinical significance of this variant is uncertain due to the absence of conclusive functional and genetic evidence.

NM_024426.6(WT1):c.710C>T (p.Pro237Leu)

Gene: WT1 (WT1 transcription factor; minus strand). Cytogenetic location: 11p13.
Variant type: single nucleotide variant.
Coding change: c.710C>T on transcript NM_024426.6 (MANE Select); coding-DNA position 710, C replaced by T.
Protein change: p.Pro237Leu; replaces proline 237 with leucine.
Molecular consequence: missense variant. On other transcripts: non-coding transcript variant (1).
Genome position (GRCh38, 1-based): chr11:32,428,571, G>A on the plus strand (C>T on the coding strand, the complement: WT1 is on the minus strand). VCF-style: chr11-32428571-G-A. GRCh37 (hg19) VCF-style: chr11-32450117-G-A.
Other names: c.710C>T, p.Pro237Leu (NM_000378.6, NM_001407044.1, NM_001407045.1 and 4 more transcripts); c.59C>T, p.Pro20Leu (NM_001198551.2, NM_001198552.2); c.-53C>T (NM_001407051.1); c.695C>T, p.Pro232Leu (NM_024425.2); short protein forms P20L, P237L, P232L.
Identifiers: ClinVar variation 640025 (VCV000640025.15), dbSNP rs760776653, ClinGen allele CA065509.